The following is an entry in ClinVar:

ClinVar aggregate classification (germline): Uncertain significance (1 of 4 stars; one submission).

Conditions:
Hereditary cancer-predisposing syndrome. Also called: Hereditary neoplastic syndrome; Neoplastic Syndromes, Hereditary; Tumor predisposition; Hereditary Cancer Syndrome. Identifiers: Orphanet 140162, MedGen C0027672, MeSH D009386, MONDO:0015356.

Submission:

Ambry Genetics
Classification: Uncertain significance for Hereditary cancer-predisposing syndrome. Last evaluated: 2025-01-21. Review status: criteria provided, single submitter. Criteria: Ambry Variant Classification Scheme 2023. Collection method: clinical testing. Allele origin: germline.
Comment: The c.1154+4A>G intronic variant results from an A to G substitution 4 nucleotides after coding exon 4 in the ALK gene. This nucleotide position is well conserved in available vertebrate species. In silico splice site analysis predicts that this alteration will not have any significant effect on splicing. Based on the available evidence, the clinical significance of this variant remains unclear.

NM_004304.5(ALK):c.1154+4A>G

Gene: ALK (ALK receptor tyrosine kinase; minus strand). Cytogenetic location: 2p23.2.
Variant type: single nucleotide variant.
Coding change: c.1154+4A>G on transcript NM_004304.5 (MANE Select); 4 bases into the intron after coding-DNA position 1154, A replaced by G.
Molecular consequence: intron variant.
Genome position (GRCh38, 1-based): chr2:29,531,911, T>C on the plus strand (A>G on the coding strand, the complement: ALK is on the minus strand). VCF-style: chr2-29531911-T-C. GRCh37 (hg19) VCF-style: chr2-29754777-T-C.
Identifiers: ClinVar variation 3854523 (VCV003854523.1).
Genomic context (GRCh38, chr2:29,531,911, plus strand): 5'-AATGTGTAACCAAAAGCCAAATCACCTGGTATAAAATCAATTTTGGACATGGAGAAGTAC[T>C]TACCCATGCTTCCCTGGAGTGGGCATCAGGAGGATCTCTCTTGCAGCCTCGTTGTGGGGC-3'